The following is an entry in ClinVar:

ClinVar aggregate classification (germline): Likely benign. Review status: criteria provided, multiple submitters, no conflicts (2 of 4 stars). 2 submissions from 2 submitters: Likely benign (2). Last evaluated 2025-03-01.

Allele frequency attached by ClinVar (database versions not stated): ESP Exome Variant Server 0.00008; TOPMed 0.00016; gnomAD 0.00019 and 0.00020; gnomAD exomes 0.00020; ExAC 0.00034.
gnomAD v4.1: 276 of 1,614,088 alleles (0.017%); highest among the groups gnomAD compares: Non-Finnish European, 0.019%; no homozygotes.

Submissions (2):

CeGaT Center for Human Genetics Tuebingen
Classification: Likely benign. Last evaluated: 2025-03-01. Review status: criteria provided, single submitter. Criteria: CeGaT Center For Human Genetics Tuebingen Variant Classification Criteria Version 2. Collection method: clinical testing. Allele origin: germline. Affected: yes. Observed: 1 variant allele.
Comment: KCNJ6: BP4, BP7

Labcorp Genetics (formerly Invitae), Labcorp
Classification: Likely benign. Last evaluated: 2024-12-19. Review status: criteria provided, single submitter. Criteria: Invitae Variant Classification Sherloc (09022015). Collection method: clinical testing. Allele origin: germline.

NM_002240.5(KCNJ6):c.180C>T (p.Asp60=)

Genes: KCNJ6 (potassium inwardly rectifying channel subfamily J member 6; minus strand), KCNJ6-AS1 (KCNJ6 antisense RNA 1; plus strand). Cytogenetic location: 21q22.13.
Variant type: single nucleotide variant.
Coding change: c.180C>T on transcript NM_002240.5 (MANE Select); coding-DNA position 180, C replaced by T.
Protein change: p.Asp60=; no amino-acid change (aspartic acid 60 retained).
Molecular consequence: synonymous variant.
Genome position (GRCh38, 1-based): chr21:37,714,977, G>A on the plus strand (C>T on the coding strand, the complement: KCNJ6 is on the minus strand). VCF-style: chr21-37714977-G-A. GRCh37 (hg19) VCF-style: chr21-39087280-G-A.
Identifiers: ClinVar variation 745083 (VCV000745083.16), dbSNP rs369579195, ClinGen allele CA10024342.
Genomic context (GRCh38, chr21:37,714,977, plus strand): 5'-GATATCGGTCAGGTAGCGATAGGTCTCCCTCACGTTGCCGTGATGAACATTGCACTTTCC[G>A]TCTTTCCTCACGTACCTCTGGATTTTCCTTTTGGTCCGATCTCGGCTGATGTGTCTTGGC-3'
Protein context (NP_002231.1, residues 50-70): KRKIQRYVRK[Asp60=]GKCNVHHGNV